The following is an entry in ClinVar:

ClinVar aggregate classification (germline): Uncertain significance (1 of 4 stars; one submission).

Submission:

Labcorp Genetics (formerly Invitae), Labcorp
Classification: Uncertain significance. Last evaluated: 2024-09-05. Review status: criteria provided, single submitter. Criteria: Invitae Variant Classification Sherloc (09022015). Collection method: clinical testing. Allele origin: germline.
Comment: This sequence change replaces arginine, which is basic and polar, with serine, which is neutral and polar, at codon 181 of the RASGRP1 protein (p.Arg181Ser). This variant is not present in population databases (gnomAD no frequency). This variant has not been reported in the literature in individuals affected with RASGRP1-related conditions. ClinVar contains an entry for this variant (Variation ID: 1969377). Invitae Evidence Modeling of protein sequence and biophysical properties (such as structural, functional, and spatial information, amino acid conservation, physicochemical variation, residue mobility, and thermodynamic stability) indicates that this missense variant is not expected to disrupt RASGRP1 protein function with a negative predictive value of 80%. In summary, the available evidence is currently insufficient to determine the role of this variant in disease. Therefore, it has been classified as a Variant of Uncertain Significance.

NM_005739.4(RASGRP1):c.543G>T (p.Arg181Ser)

Gene: RASGRP1 (RAS guanyl releasing protein 1; minus strand). Cytogenetic location: 15q14.
Variant type: single nucleotide variant.
Coding change: c.543G>T on transcript NM_005739.4 (MANE Select); coding-DNA position 543, G replaced by T.
Protein change: p.Arg181Ser; replaces arginine 181 with serine.
Molecular consequence: missense variant.
Genome position (GRCh38, 1-based): chr15:38,516,329, C>A on the plus strand (G>T on the coding strand, the complement: RASGRP1 is on the minus strand). VCF-style: chr15-38516329-C-A. GRCh37 (hg19) VCF-style: chr15-38808530-C-A.
Other names: c.543G>T, p.Arg181Ser (NM_001128602.2, NM_001306086.2); short protein forms R181S.
Identifiers: ClinVar variation 1969377 (VCV001969377.5), dbSNP rs2542913301, ClinGen allele CA391654012.